The following is an entry in ClinVar:

ClinVar aggregate classification (germline): Uncertain significance (1 of 4 stars; one submission).

Submission:

Mayo Clinic Laboratories, Mayo Clinic
Classification: Uncertain significance. Last evaluated: 2025-10-26. Review status: criteria provided, single submitter. Criteria: ACMG Guidelines, 2015. Collection method: clinical testing. Allele origin: germline. Observed: 1 variant allele.
Comment: BP4_moderate, PM2_supporting

NM_152564.5(VPS13B):c.6428G>T (p.Ser2143Ile)

Gene: VPS13B (vacuolar protein sorting 13 homolog B; plus strand). Cytogenetic location: 8q22.2.
Variant type: single nucleotide variant.
Coding change: c.6428G>T on transcript NM_152564.5 (MANE Select); coding-DNA position 6428, G replaced by T.
Protein change: p.Ser2143Ile; replaces serine 2143 with isoleucine.
Molecular consequence: missense variant.
Genome position (GRCh38, 1-based): chr8:99,699,906, G>T. VCF-style: chr8-99699906-G-T. GRCh37 (hg19) VCF-style: chr8-100712134-G-T.
Other names: p.Ser2168Ile; c.6503G>T, p.Ser2168Ile (NM_017890.5); short protein forms S2143I, S2168I.
Identifiers: ClinVar variation 4541387 (VCV004541387.1).